The following is an entry in ClinVar:

NM_032634.4(PIGO):c.1241C>G (p.Pro414Arg)

Gene: PIGO (phosphatidylinositol glycan anchor biosynthesis class O; minus strand). Cytogenetic location: 9p13.3.
Variant type: single nucleotide variant.
Coding change: c.1241C>G on transcript NM_032634.4 (MANE Select); coding-DNA position 1241, C replaced by G.
Protein change: p.Pro414Arg; replaces proline 414 with arginine.
Molecular consequence: missense variant.
Genome position (GRCh38, 1-based): chr9:35,092,646, G>C on the plus strand (C>G on the coding strand, the complement: PIGO is on the minus strand). VCF-style: chr9-35092646-G-C. GRCh37 (hg19) VCF-style: chr9-35092643-G-C.
Other names: c.1241C>G, p.Pro414Arg (NM_001201484.2, NM_152850.4); short protein forms P414R.
Identifiers: ClinVar variation 650340 (VCV000650340.8), dbSNP rs944789603, ClinGen allele CA192711998.

ClinVar aggregate classification (germline): Uncertain significance (1 of 4 stars; one submission).

Conditions:
Hyperphosphatasia with impaired intellectual development syndrome 2. Also called: Hyperphosphatasia with intellectual disability syndrome 2; GLYCOSYLPHOSPHATIDYLINOSITOL BIOSYNTHESIS DEFECT 6. Identifiers: Orphanet 247262, MedGen C3553637, MONDO:0013882, OMIM 614749.

Allele frequency attached by ClinVar (database versions not stated): gnomAD exomes below 0.00001; TOPMed below 0.00001.

Submission:

Labcorp Genetics (formerly Invitae), Labcorp
Classification: Uncertain significance for Hyperphosphatasia with impaired intellectual development syndrome 2. Last evaluated: 2022-03-05. Review status: criteria provided, single submitter. Criteria: Invitae Variant Classification Sherloc (09022015). Collection method: clinical testing. Allele origin: germline.
Comment: This sequence change replaces proline, which is neutral and non-polar, with arginine, which is basic and polar, at codon 414 of the PIGO protein (p.Pro414Arg). This variant is present in population databases (no rsID available, gnomAD 0.007%). This variant has not been reported in the literature in individuals affected with PIGO-related conditions. ClinVar contains an entry for this variant (Variation ID: 650340). Algorithms developed to predict the effect of missense changes on protein structure and function (SIFT, PolyPhen-2, Align-GVGD) all suggest that this variant is likely to be tolerated. In summary, the available evidence is currently insufficient to determine the role of this variant in disease. Therefore, it has been classified as a Variant of Uncertain Significance.